The following is an entry in ClinVar:

NM_002474.3(MYH11):c.4661_4681del (p.Glu1554_Asp1560del)

Genes: NDE1 (nudE neurodevelopment protein 1; plus strand), MYH11 (myosin heavy chain 11; minus strand). Cytogenetic location: 16p13.11.
Variant type: Deletion.
Coding change: c.4661_4681del on transcript NM_002474.3 (MANE Select); coding-DNA positions 4661 to 4681, 21 bases deleted (AGCTGCAAGCCACGGAGGACG).
Protein change: p.Glu1554_Asp1560del.
Molecular consequence: inframe deletion. On other transcripts: intron variant (2).
Genome position (GRCh38, 1-based): chr16:15,720,949-15,720,969, CGTCCTCCGTGGCTTGCAGCT deleted on the plus strand (AGCTGCAAGCCACGGAGGACG on the coding strand, the reverse complement: MYH11 is on the minus strand); deleting any 21 consecutive bases within chr16:15,720,949-15,720,977 gives the same sequence; the c. name uses the placement nearest the transcript's 3' end. VCF-style (leftmost placement, unchanged base first): chr16-15720948-GCGTCCTCCGTGGCTTGCAGCT-G. GRCh37 (hg19) VCF-style: chr16-15814805-GCGTCCTCCGTGGCTTGCAGCT-G.
Other names: c.4682_4702del, p.Glu1561_Asp1567del (NM_001040113.2, NM_001040114.2); c.4661_4681del, p.Glu1554_Asp1560del (NM_022844.3); c.948-3234_948-3214del (NM_001143979.2, NM_017668.3).
Identifiers: ClinVar variation 861860 (VCV000861860.9), dbSNP rs1555551958, ClinGen allele CA916083489.

ClinVar aggregate classification (germline): Uncertain significance (1 of 4 stars; one submission).

Conditions:
Aortic aneurysm, familial thoracic 4 (AAT4). Also called: AORTIC ANEURYSM/AORTIC DISSECTION AND PATENT DUCTUS ARTERIOSUS. Identifiers: MedGen C1851504, MONDO:0007568, OMIM 132900.

Submission:

Labcorp Genetics (formerly Invitae), Labcorp
Classification: Uncertain significance for Aortic aneurysm, familial thoracic 4. Last evaluated: 2019-03-04. Review status: criteria provided, single submitter. Criteria: Invitae Variant Classification Sherloc (09022015). Collection method: clinical testing. Allele origin: germline.
Comment: Experimental studies and prediction algorithms are not available for this variant, and the functional significance of the affected amino acid(s) is currently unknown. In summary, the available evidence is currently insufficient to determine the role of this variant in disease. Therefore, it has been classified as a Variant of Uncertain Significance. This variant has not been reported in the literature in individuals with MYH11-related conditions. This variant is not present in population databases (ExAC no frequency). This variant, c.4682_4702del, results in the deletion of 7 amino acids of the MYH11 protein (p.Glu1561_Asp1567del), but otherwise preserves the integrity of the reading frame.